The following is an entry in ClinVar:

ClinVar aggregate classification (germline): Likely benign (1 of 4 stars; one submission).

Allele frequency attached by ClinVar (database versions not stated): gnomAD 0.00003; ESP Exome Variant Server 0.00008; gnomAD exomes 0.00010; ExAC 0.00014; 1000 Genomes Project 30x 0.00016; 1000 Genomes Project 0.00020; TOPMed 0.00002.
gnomAD v4.1: 153 of 1,596,588 alleles (0.0096%); highest among the groups gnomAD compares: South Asian, 0.086%; 2 homozygotes.

Submission:

CeGaT Center for Human Genetics Tuebingen
Classification: Likely benign. Last evaluated: 2022-04-01. Review status: criteria provided, single submitter. Criteria: CeGaT Center For Human Genetics Tuebingen Variant Classification Criteria Version 2. Collection method: clinical testing. Allele origin: germline. Affected: yes. Observed: 1 variant allele.
Comment: FYB2: BP4, BP7

NM_001004303.5(FYB2):c.1689G>A (p.Ser563=)

Gene: FYB2 (FYN binding protein 2; minus strand). Cytogenetic location: 1p32.2.
Variant type: single nucleotide variant.
Coding change: c.1689G>A on transcript NM_001004303.5 (MANE Select); coding-DNA position 1689, G replaced by A.
Protein change: p.Ser563=; no amino-acid change (serine 563 retained).
Molecular consequence: synonymous variant.
Genome position (GRCh38, 1-based): chr1:56,740,711, C>T on the plus strand (G>A on the coding strand, the complement: FYB2 is on the minus strand). VCF-style: chr1-56740711-C-T. GRCh37 (hg19) VCF-style: chr1-57206384-C-T.
Identifiers: ClinVar variation 2638842 (VCV002638842.24), dbSNP rs140363025, ClinGen allele CA874236.